The following is an entry in ClinVar:

NM_012144.4(DNAI1):c.1020-1G>A

Gene: DNAI1 (dynein axonemal intermediate chain 1; plus strand). Cytogenetic location: 9p13.3.
Variant type: single nucleotide variant.
Coding change: c.1020-1G>A on transcript NM_012144.4 (MANE Select); the canonical splice acceptor site of the intron before coding-DNA position 1020, G replaced by A.
Molecular consequence: splice acceptor variant.
Genome position (GRCh38, 1-based): chr9:34,501,137, G>A. VCF-style: chr9-34501137-G-A. GRCh37 (hg19) VCF-style: chr9-34501135-G-A.
Other names: c.1032-1G>A (NM_001281428.2).
Identifiers: ClinVar variation 4815534 (VCV004815534.1).

ClinVar aggregate classification (germline): Likely pathogenic (1 of 4 stars; one submission).

Conditions:
Primary ciliary dyskinesia. Also called: Ciliary dyskinesia. Identifiers: Orphanet 244, MedGen C0008780, MONDO:0016575, HP:0012265.

gnomAD v4.1: 1 of 1,612,942 alleles (0.000062%); highest among the groups gnomAD compares: Non-Finnish European, 0.000085%; no homozygotes.

Submission:

Natera, Inc.
Classification: Likely pathogenic for Primary ciliary dyskinesia. Last evaluated: 2025-05-21. Review status: criteria provided, single submitter. Criteria: Natera Variant Classification Schema (03/2026). Collection method: clinical testing. Allele origin: germline.
Comment: The c.1020-1G>A variant in DNAI1 is a canonical splice acceptor site variant predicted to affect pre-mRNA splicing, which may result in an abnormal transcript and altered protein product. This variant is expected to result in nonsense mediated decay, truncation, or a dysfunctional protein product. This variant is rare in the general population with a frequency below the threshold expected for the associated phenotype(s). Given the available evidence, this variant is classified as Likely Pathogenic.